The following is an entry in ClinVar:

ClinVar aggregate classification (germline): Conflicting classifications of pathogenicity. Review status: criteria provided, conflicting classifications (1 of 4 stars). 2 submissions from 2 submitters: Uncertain significance (1); Likely benign (1). Last evaluated 2024-09-20.

Conditions:
Weill-Marchesani syndrome 1 (WMS1). Also called: Weill-Marchesani Syndrome, Autosomal Recessive; Weill-Marchesani syndrome 1, recessive; ADAMTS10-Related Weill-Marchesani Syndrome. Identifiers: Orphanet 3449, MedGen C4552002, MONDO:0010194, OMIM 277600.

Allele frequency attached by ClinVar (database versions not stated): TOPMed 0.00001.
gnomAD v4.1: 18 of 1,613,752 alleles (0.0011%); highest among the groups gnomAD compares: African/African-American, 0.008%; no homozygotes.

Submissions (2):

3billion
Classification: Likely benign for Weill-Marchesani syndrome 1. Last evaluated: 2024-09-20. Review status: criteria provided, single submitter. Criteria: ACMG Guidelines, 2015. Collection method: clinical testing. Allele origin: germline. Affected: no.
Comment: The homozygous variant was found in patients diagnosed with another variant in a different gene, with no symptoms related to the gene containing the homozygous variant.

Labcorp Genetics (formerly Invitae), Labcorp
Classification: Uncertain significance. Last evaluated: 2023-11-18. Review status: criteria provided, single submitter. Criteria: Invitae Variant Classification Sherloc (09022015). Collection method: clinical testing. Allele origin: germline.
Comment: This sequence change replaces glutamic acid, which is acidic and polar, with aspartic acid, which is acidic and polar, at codon 807 of the ADAMTS10 protein (p.Glu807Asp). This variant is not present in population databases (gnomAD no frequency). This variant has not been reported in the literature in individuals affected with ADAMTS10-related conditions. ClinVar contains an entry for this variant (Variation ID: 1046680). An algorithm developed to predict the effect of missense changes on protein structure and function (PolyPhen-2) suggests that this variant is likely to be tolerated. In summary, the available evidence is currently insufficient to determine the role of this variant in disease. Therefore, it has been classified as a Variant of Uncertain Significance.

NM_030957.4(ADAMTS10):c.2421G>T (p.Glu807Asp)

Gene: ADAMTS10 (ADAM metallopeptidase with thrombospondin type 1 motif 10; minus strand). Cytogenetic location: 19p13.2.
Variant type: single nucleotide variant.
Coding change: c.2421G>T on transcript NM_030957.4 (MANE Select); coding-DNA position 2421, G replaced by T.
Protein change: p.Glu807Asp; replaces glutamic acid 807 with aspartic acid.
Molecular consequence: missense variant.
Genome position (GRCh38, 1-based): chr19:8,586,453, C>A on the plus strand (G>T on the coding strand, the complement: ADAMTS10 is on the minus strand). VCF-style: chr19-8586453-C-A. GRCh37 (hg19) VCF-style: chr19-8651337-C-A.
Other names: c.882G>T, p.Glu294Asp (NM_001282352.2); short protein forms E294D, E807D.
Identifiers: ClinVar variation 1046680 (VCV001046680.11), dbSNP rs545953920, ClinGen allele CA304997239.